The following is an entry in ClinVar:

NM_000384.3(APOB):c.7249A>C (p.Asn2417His)

Gene: APOB (apolipoprotein B; minus strand). Cytogenetic location: 2p24.1.
Variant type: single nucleotide variant.
Coding change: c.7249A>C on transcript NM_000384.3 (MANE Select); coding-DNA position 7249, A replaced by C.
Protein change: p.Asn2417His; replaces asparagine 2417 with histidine.
Molecular consequence: missense variant.
Genome position (GRCh38, 1-based): chr2:21,009,619, T>G on the plus strand (A>C on the coding strand, the complement: APOB is on the minus strand). VCF-style: chr2-21009619-T-G. GRCh37 (hg19) VCF-style: chr2-21232491-T-G.
Other names: c.7249A>C (NM_000384.2); short protein forms N2417H.
Identifiers: ClinVar variation 3339619 (VCV003339619.3).

ClinVar aggregate classification (germline): Conflicting classifications of pathogenicity. Review status: criteria provided, conflicting classifications (1 of 4 stars). 3 submissions from 3 submitters: Uncertain significance (2); Likely benign (1). Last evaluated 2026-01-19.

Conditions:
Familial hypobetalipoproteinemia 1. Also called: Hypobetalipoproteinemia, normotriglyceridemic; Acanthocytosis with hypobetalipoproteinemia; APOB-Related Familial Hypobetalipoproteinemia. Identifiers: MedGen C4551990, MONDO:0014252, OMIM 615558.
Hypercholesterolemia, autosomal dominant, type B (FHCL2). Also called: Familial Hypercholesterolemia Type B; APOLIPOPROTEIN B-100, FAMILIAL DEFECTIVE; APOLIPOPROTEIN B-100, FAMILIAL LIGAND-DEFECTIVE; HYPERCHOLESTEROLEMIA, FAMILIAL, DUE TO LIGAND-DEFECTIVE APOLIPOPROTEIN B; Hyperlipoproteinemia Type IIb; Familial hypercholesterolemia 2. Identifiers: MedGen C1704417, MONDO:0007751, OMIM 144010.

gnomAD v4.1: 3 of 1,613,938 alleles (0.00019%); highest among the groups gnomAD compares: Admixed American, 0.005%; no homozygotes.

Submissions (3):

Labcorp Genetics (formerly Invitae), Labcorp
Classification: Likely benign for Familial hypobetalipoproteinemia 1; Hypercholesterolemia, autosomal dominant, type B. Last evaluated: 2026-01-19. Review status: criteria provided, single submitter. Criteria: Invitae Variant Classification Sherloc (09022015). Collection method: clinical testing. Allele origin: germline.

Women's Health and Genetics/Laboratory Corporation of America, LabCorp
Classification: Uncertain significance. Last evaluated: 2024-06-11. Review status: criteria provided, single submitter. Criteria: LabCorp Variant Classification Summary - May 2015. Collection method: clinical testing. Allele origin: germline.
Comment: Variant summary: APOB c.7249A>C (p.Asn2417His) results in a conservative amino acid change in the encoded protein sequence. Three of five in-silico tools predict a benign effect of the variant on protein function. The variant allele was found at a frequency of 1.2e-05 in 250724 control chromosomes, predominantly at a frequency of 8.7e-05 within the Latino subpopulation in the gnomAD database. The available data on variant occurrences in the general population are insufficient to allow any conclusion about variant significance. To our knowledge, no occurrence of c.7249A>C in individuals affected with Early Onset Coronary Artery Disease and no experimental evidence demonstrating its impact on protein function have been reported. No submitters have cited clinical-significance assessments for this variant to ClinVar. Based on the evidence outlined above, the variant was classified as uncertain significance.

GeneDx
Classification: Uncertain significance. Last evaluated: 2024-01-17. Review status: criteria provided, single submitter. Criteria: GeneDx Variant Classification Process June 2021. Collection method: clinical testing. Allele origin: germline. Affected: yes.
Comment: In silico analysis supports that this missense variant has a deleterious effect on protein structure/function; Has not been previously published as pathogenic or benign to our knowledge